The following is an entry in ClinVar:

NM_006231.4(POLE):c.6331-3C>T

Gene: POLE (DNA polymerase epsilon, catalytic subunit; minus strand). Cytogenetic location: 12q24.33.
Variant type: single nucleotide variant.
Coding change: c.6331-3C>T on transcript NM_006231.4 (MANE Select); 3 bases into the intron before coding-DNA position 6331, C replaced by T.
Molecular consequence: intron variant.
Genome position (GRCh38, 1-based): chr12:132,626,320, G>A on the plus strand (C>T on the coding strand, the complement: POLE is on the minus strand). VCF-style: chr12-132626320-G-A. GRCh37 (hg19) VCF-style: chr12-133202906-G-A.
Identifiers: ClinVar variation 580528 (VCV000580528.14), dbSNP rs1332510248, ClinGen allele CA608514058.

ClinVar aggregate classification (germline): Uncertain significance. Review status: criteria provided, multiple submitters, no conflicts (2 of 4 stars). 2 submissions from 2 submitters: Uncertain significance (2). Last evaluated 2025-10-28.

Conditions:
Hereditary cancer-predisposing syndrome. Also called: Neoplastic Syndromes, Hereditary; Tumor predisposition; Hereditary neoplastic syndrome; Hereditary Cancer Syndrome. Identifiers: Orphanet 140162, MedGen C0027672, MeSH D009386, MONDO:0015356.

Allele frequency attached by ClinVar (database versions not stated): gnomAD exomes below 0.00001; gnomAD 0.00001.
gnomAD v4.1: 2 of 1,613,272 alleles (0.00012%); highest among the groups gnomAD compares: East Asian, 0.0045%; no homozygotes.

Submissions (2):

Ambry Genetics
Classification: Uncertain significance for Hereditary cancer-predisposing syndrome. Last evaluated: 2025-10-28. Review status: criteria provided, single submitter. Criteria: Ambry Variant Classification Scheme 2023. Collection method: clinical testing. Allele origin: germline.
Comment: The c.6331-3C>T intronic variant results from a C to T substitution 3 nucleotides upstream from coding exon 46 in the POLE gene. This nucleotide position is not well conserved in available vertebrate species. In silico splice site analysis predicts that this alteration will not have any significant effect on splicing. Based on the available evidence, the clinical significance of this variant remains unclear.

Labcorp Genetics (formerly Invitae), Labcorp
Classification: Uncertain significance. Last evaluated: 2024-05-08. Review status: criteria provided, single submitter. Criteria: Invitae Variant Classification Sherloc (09022015). Collection method: clinical testing. Allele origin: germline.
Comment: This sequence change falls in intron 45 of the POLE gene. It does not directly change the encoded amino acid sequence of the POLE protein. It affects a nucleotide within the consensus splice site. This variant is not present in population databases (gnomAD no frequency). This variant has not been reported in the literature in individuals affected with POLE-related conditions. ClinVar contains an entry for this variant (Variation ID: 580528). Variants that disrupt the consensus splice site are a relatively common cause of aberrant splicing (PMID: 17576681, 9536098). Algorithms developed to predict the effect of sequence changes on RNA splicing suggest that this variant is not likely to affect RNA splicing. In summary, the available evidence is currently insufficient to determine the role of this variant in disease. Therefore, it has been classified as a Variant of Uncertain Significance.

Literature cited by the submitters: PubMed 17576681 (cited by Labcorp Genetics (formerly Invitae), Labcorp); PubMed 9536098 (cited by Labcorp Genetics (formerly Invitae), Labcorp).